The following is an entry in ClinVar:

ClinVar aggregate classification (germline): Likely benign (1 of 4 stars; one submission).

Allele frequency attached by ClinVar (database versions not stated): gnomAD exomes 0.00026; 1000 Genomes Project 30x 0.00156; 1000 Genomes Project 0.00160; gnomAD 0.00296 and 0.00321; TOPMed 0.00307.
gnomAD v4.1: 604 of 751,976 alleles (0.08%); highest among the groups gnomAD compares: African/African-American, 1%; 7 homozygotes.

Submission:

GeneDx
Classification: Likely benign. Last evaluated: 2018-06-14. Review status: criteria provided, single submitter. Criteria: GeneDx Variant Classification (06012015). Collection method: clinical testing. Allele origin: germline. Affected: yes.
Comment: This variant is considered likely benign or benign based on one or more of the following criteria: it is a conservative change, it occurs at a poorly conserved position in the protein, it is predicted to be benign by multiple in silico algorithms, and/or has population frequency not consistent with disease.

NM_001035.3(RYR2):c.5716-143A>C

Gene: RYR2 (ryanodine receptor 2; plus strand). Cytogenetic location: 1q43.
Variant type: single nucleotide variant.
Coding change: c.5716-143A>C on transcript NM_001035.3 (MANE Select); 143 bases into the intron before coding-DNA position 5716, A replaced by C.
Molecular consequence: intron variant.
Genome position (GRCh38, 1-based): chr1:237,617,143, A>C. VCF-style: chr1-237617143-A-C. GRCh37 (hg19) VCF-style: chr1-237780443-A-C.
Identifiers: ClinVar variation 677883 (VCV000677883.1), dbSNP rs181562747, ClinGen allele CA39830629.
Genomic context (GRCh38, chr1:237,617,143, plus strand): 5'-AGGGACATTTGTTTGCCATTTTTGCTTATACAAATTATGTTTCATCTCCTGGGACCGAGC[A>C]CATTGCTGCCTATACAAAATCAGGATTCTGTTTCTAAGAGAGAAGAGTAGGCAACTAAGG-3'